The following is an entry in ClinVar:

ClinVar aggregate classification (germline): Uncertain significance (1 of 4 stars; one submission).

Conditions:
46,XY sex reversal 6. Also called: 46,XY GONADAL DYSGENESIS, PARTIAL OR COMPLETE, MAP3K1-RELATED; 46,XY SEX REVERSAL, PARTIAL OR COMPLETE, MAP3K1-RELATED. Identifiers: MedGen C3151064, MONDO:0013410, OMIM 613762.

Submission:

Labcorp Genetics (formerly Invitae), Labcorp
Classification: Uncertain significance for 46,XY sex reversal 6. Last evaluated: 2023-10-26. Review status: criteria provided, single submitter. Criteria: Invitae Variant Classification Sherloc (09022015). Collection method: clinical testing. Allele origin: germline.
Comment: This sequence change replaces isoleucine, which is neutral and non-polar, with methionine, which is neutral and non-polar, at codon 674 of the MAP3K1 protein (p.Ile674Met). This variant is not present in population databases (gnomAD no frequency). This variant has not been reported in the literature in individuals affected with MAP3K1-related conditions. Advanced modeling of protein sequence and biophysical properties (such as structural, functional, and spatial information, amino acid conservation, physicochemical variation, residue mobility, and thermodynamic stability) performed at Invitae indicates that this missense variant is not expected to disrupt MAP3K1 protein function with a negative predictive value of 80%. In summary, the available evidence is currently insufficient to determine the role of this variant in disease. Therefore, it has been classified as a Variant of Uncertain Significance.

NM_005921.2(MAP3K1):c.2022C>G (p.Ile674Met)

Gene: MAP3K1 (mitogen-activated protein kinase kinase kinase 1; plus strand). Cytogenetic location: 5q11.2.
Variant type: single nucleotide variant.
Coding change: c.2022C>G on transcript NM_005921.2 (MANE Select); coding-DNA position 2022, C replaced by G.
Protein change: p.Ile674Met; replaces isoleucine 674 with methionine.
Molecular consequence: missense variant.
Genome position (GRCh38, 1-based): chr5:56,879,036, C>G. VCF-style: chr5-56879036-C-G. GRCh37 (hg19) VCF-style: chr5-56174863-C-G.
Other names: short protein forms I674M.
Identifiers: ClinVar variation 2917398 (VCV002917398.3), dbSNP rs2530944287, ClinGen allele CA359782637.
Genomic context (GRCh38, chr5:56,879,036, plus strand): 5'-TTAGAAAACATTGAGAGCCATGCTGGTATATACTCCTTGCCACAGTTTAGCGGAAAGAAT[C>G]AAACTTCAGAGACTTCTCCAGCCAGTTGTAGACACCATCCTAGTCAAATGTGCAGATGCC-3'
Protein context (NP_005912.1, residues 664-684): YTPCHSLAER[Ile674Met]KLQRLLQPVV